The following is an entry in ClinVar:

NM_002528.7(NTHL1):c.769G>A (p.Ala257Thr)

Gene: NTHL1 (nth like DNA glycosylase 1; minus strand). Cytogenetic location: 16p13.3.
Variant type: single nucleotide variant.
Coding change: c.769G>A on transcript NM_002528.7 (MANE Select); coding-DNA position 769, G replaced by A.
Protein change: p.Ala257Thr; replaces alanine 257 with threonine.
Molecular consequence: missense variant.
Genome position (GRCh38, 1-based): chr16:2,040,155, C>T on the plus strand (G>A on the coding strand, the complement: NTHL1 is on the minus strand). VCF-style: chr16-2040155-C-T. GRCh37 (hg19) VCF-style: chr16-2090156-C-T.
Other names: c.769G>A, p.Ala257Thr (LRG_1366t1); c.598G>A, p.Ala200Thr (NM_001318193.2); c.439G>A, p.Ala147Thr (NM_001318194.2); short protein forms A200T, A147T, A257T.
Identifiers: ClinVar variation 655076 (VCV000655076.30), dbSNP rs148474733, ClinGen allele CA7828120.

ClinVar aggregate classification (germline): Conflicting classifications of pathogenicity. Review status: criteria provided, conflicting classifications (1 of 4 stars). 9 submissions from 9 submitters: Uncertain significance (8); Likely benign (1). Last evaluated 2026-02-22.

Conditions:
NTHL1-related disorder. Also called: NTHL1-related condition; NTHL1-related conditions.
Familial adenomatous polyposis 3. Also called: NTHL1-Related Adenomatous Polyposis and Colorectal Cancer; NTHL1-associated polyposis; NTHL1-related attenuated familial adenomatous polyposis; NTHL1 Tumor Syndrome. Identifiers: Orphanet 220460, Orphanet 454840, MedGen C4225157, MONDO:0014630, OMIM 616415.
Hereditary cancer-predisposing syndrome. Also called: Tumor predisposition; Hereditary neoplastic syndrome; Hereditary Cancer Syndrome; Neoplastic Syndromes, Hereditary. Identifiers: Orphanet 140162, MedGen C0027672, MeSH D009386, MONDO:0015356.

Allele frequency attached by ClinVar (database versions not stated): TOPMed 0.00017; gnomAD 0.00007 and 0.00008; ESP Exome Variant Server 0.00008.

Submissions (9):

PreventionGenetics, part of Exact Sciences
Classification: Uncertain significance for NTHL1-related condition. Last evaluated: 2026-02-22. Review status: criteria provided, single submitter. Criteria: ACMG Guidelines, 2015. Collection method: clinical testing. Allele origin: germline.
Comment: The NTHL1 c.793G>A variant is predicted to result in the amino acid substitution p.Ala265Thr. This variant has been reported in two unrelated individuals with colorectal cancer (Supplementary Table 6, Belhadj et al. 2019. PubMed ID: 31227763; Table 2, Toh et al. 2018. PubMed ID: 31360874). This variant is reported in 0.080% of alleles in individuals of East Asian descent in gnomAD. This variant is interpreted as a variant of uncertain significance by majority of the submitters in ClinVar (Variation ID: 655076). At this time, the clinical significance of this variant is uncertain due to the absence of conclusive functional and genetic evidence.

Labcorp Genetics (formerly Invitae), Labcorp
Classification: Uncertain significance. Last evaluated: 2026-01-26. Review status: criteria provided, single submitter. Criteria: Invitae Variant Classification Sherloc (09022015). Collection method: clinical testing. Allele origin: germline.
Comment: This sequence change replaces alanine, which is neutral and non-polar, with threonine, which is neutral and polar, at codon 265 of the NTHL1 protein (p.Ala265Thr). This variant is present in population databases (rs148474733, gnomAD 0.08%). This missense change has been observed in individual(s) with colorectal cancer (PMID: 31227763, 31360874). ClinVar contains an entry for this variant (Variation ID: 655076). An algorithm developed to predict the effect of missense changes on protein structure and function (PolyPhen-2) suggests that this variant is likely to be disruptive. In summary, the available evidence is currently insufficient to determine the role of this variant in disease. Therefore, it has been classified as a Variant of Uncertain Significance.

GeneDx
Classification: Uncertain significance. Last evaluated: 2025-04-07. Review status: criteria provided, single submitter. Criteria: GeneDx Variant Classification Process June 2021. Collection method: clinical testing. Allele origin: germline. Affected: yes.
Comment: In silico analysis supports that this missense variant has a deleterious effect on protein structure/function; This variant is associated with the following publications: (PMID: 31227763, 31360874, 32300177, 32704608)

Center for Genomic Medicine, Rigshospitalet, Copenhagen University Hospital
Classification: Uncertain significance. Last evaluated: 2025-03-04. Review status: criteria provided, single submitter. Criteria: ACMG Guidelines, 2015. Collection method: clinical testing. Allele origin: germline.

Baylor Genetics
Classification: Uncertain significance for Familial adenomatous polyposis 3. Last evaluated: 2024-03-27. Review status: criteria provided, single submitter. Criteria: ACMG Guidelines, 2015. Collection method: clinical testing. Allele origin: unknown.

Quest Diagnostics Nichols Institute San Juan Capistrano
Classification: Uncertain significance. Last evaluated: 2023-06-13. Review status: criteria provided, single submitter. Criteria: Quest Diagnostics criteria. Collection method: clinical testing. Allele origin: unknown.
Comment: In the published literature, this variant has been reported in individuals with colorectal cancer (PMID: 31227763 (2019), 31360874 (2018)). It has also been reported as a somatic mutation in ovarian cancer (PMID: 32704608 (2020)) and prostate cancer (PMID: 32300177 (2020)). The frequency of this variant in the general population, 0.0008 (16/19952 chromosomes (Genome Aggregation Database)), is uninformative in the assessment of its pathogenicity. Analysis of this variant using bioinformatics tools for the prediction of the effect of amino acid changes on protein structure and function yielded conflicting predictions that this variant is deleterious or benign. Based on the available information, we are unable to determine the clinical significance of this variant.

St. Jude Molecular Pathology, St. Jude Children's Research Hospital
Classification: Uncertain significance for Familial adenomatous polyposis 3. Last evaluated: 2022-08-30. Review status: criteria provided, single submitter. Criteria: St. Jude Assertion Criteria 2020. Collection method: clinical testing. Allele origin: germline.
Comment: The NTHL1 c.793G>A (p.Ala265Thr) missense change has a maximum subpopulation frequency of 0.08% in gnomAD v2.1.1. The in silico tool REVEL is inconclusive about a pathogenic or benign effect of this variant on protein function, and to our knowledge functional studies have not been performed. This variant has been reported as heterozygous in two individuals with colorectal cancer who were not found to have additional alterations in the NTHL1 gene (PMID: 31227763, 31360874). In summary, the evidence currently available is insufficient to determine the clinical significance of this variant. It has therefore been classified as of uncertain significance.

Sema4
Classification: Uncertain significance for Hereditary cancer-predisposing syndrome. Last evaluated: 2022-02-04. Review status: criteria provided, single submitter. Criteria: Sema4 Curation Guidelines. Collection method: curation. Allele origin: germline.
Comment: The NTHL1 c.793G>A (p.A265T) variant has been reported in the heterozygous state in at least two individuals with colorectal cancer and one individual with small-cell carcinoma of the ovary, hypercalcemic type (PMID: 31360874, 32300177, 32704608). It was observed in 49/282522 chromosomes, with no homozygotes, in the large and broad cohorts of the Genome Aggregation Database (PMID: 32461654). The variant has been reported in ClinVar (Variation ID: 655076). Functional studies have not been performed and in silico tool predictions of the effect of the variant on protein function are inconclusive. The evidence is insufficient to meet ACMG/AMP criteria for classifying the variant as benign or pathogenic. Thus, the clinical significance of this variant is currently uncertain.

Ambry Genetics
Classification: Likely benign for Hereditary cancer-predisposing syndrome. Last evaluated: 2021-08-05. Review status: criteria provided, single submitter. Criteria: Ambry Variant Classification Scheme 2023. Collection method: clinical testing. Allele origin: germline.

Literature cited by the submitters: PubMed 31227763 (cited by Labcorp Genetics (formerly Invitae), Labcorp and Quest Diagnostics Nichols Institute San Juan Capistrano); PubMed 31360874 (cited by 3 submitters); PubMed 32704608 (cited by Quest Diagnostics Nichols Institute San Juan Capistrano and Sema4); PubMed 32300177 (cited by Quest Diagnostics Nichols Institute San Juan Capistrano and Sema4).